The following is an entry in ClinVar:

ClinVar aggregate classification (germline): Uncertain significance (1 of 4 stars; one submission).

Conditions:
Charcot-Marie-Tooth disease type 2. Also called: Charcot-Marie-Tooth type 2. Identifiers: Orphanet 64746, MedGen C0270914, MONDO:0018993.

Submission:

Labcorp Genetics (formerly Invitae), Labcorp
Classification: Uncertain significance for Charcot-Marie-Tooth disease type 2. Last evaluated: 2025-09-27. Review status: criteria provided, single submitter. Criteria: Invitae Variant Classification Sherloc (09022015). Collection method: clinical testing. Allele origin: germline.
Comment: This sequence change replaces glutamine, which is neutral and polar, with histidine, which is basic and polar, at codon 6 of the LMNA protein (p.Gln6His). This variant is not present in population databases (gnomAD no frequency). This variant has not been reported in the literature in individuals affected with LMNA-related conditions. Invitae Evidence Modeling of protein sequence and biophysical properties (such as structural, functional, and spatial information, amino acid conservation, physicochemical variation, residue mobility, and thermodynamic stability) indicates that this missense variant is expected to disrupt LMNA protein function with a positive predictive value of 95%. In summary, the available evidence is currently insufficient to determine the role of this variant in disease. Therefore, it has been classified as a Variant of Uncertain Significance.

NM_170707.4(LMNA):c.18G>C (p.Gln6His)

Genes: LMNA (lamin A/C; plus strand), LOC129931597 (ATAC-STARR-seq lymphoblastoid silent region 1421; plus strand). Cytogenetic location: 1q22.
Variant type: single nucleotide variant.
Coding change: c.18G>C on transcript NM_170707.4 (MANE Select); coding-DNA position 18, G replaced by C.
Protein change: p.Gln6His; replaces glutamine 6 with histidine.
Molecular consequence: missense variant. On other transcripts: 5 prime UTR variant (8), intron variant (2).
Genome position (GRCh38, 1-based): chr1:156,114,936, G>C. VCF-style: chr1-156114936-G-C. GRCh37 (hg19) VCF-style: chr1-156084727-G-C.
Other names: c.-384G>C (NM_001406995.1, NM_001407002.1, NM_001406990.1); c.-827G>C (NM_001406999.1); c.-647G>C (NM_001407000.1, NM_001406994.1); c.-490G>C (NM_001407001.1); c.18G>C, p.Gln6His (NM_005572.4, NM_170708.4, NM_001282625.2 and 6 more transcripts); c.-203+8113G>C (NM_001406993.1, NM_001407003.1); c.-406G>C (NM_001406986.1); short protein forms Q6H.
Identifiers: ClinVar variation 4799949 (VCV004799949.1).
Genomic context (GRCh38, chr1:156,114,936, plus strand): 5'-CCGGGACCCCTGCCCCGCGGGCAGCGCTGCCAACCTGCCGGCCATGGAGACCCCGTCCCA[G>C]CGGCGCGCCACCCGCAGCGGGGCGCAGGCCAGCTCCACTCCGCTGTCGCCCACCCGCATC-3'
Protein context (NP_733821.1, residues 1-16): METPS[Gln6His]RRATRSGAQA